The following is an entry in ClinVar:

NM_001371623.1(TCOF1):c.1425_1426del (p.Arg476fs)

Gene: TCOF1 (treacle ribosome biogenesis factor 1; plus strand). Cytogenetic location: 5q32.
Variant type: Deletion.
Coding change: c.1425_1426del on transcript NM_001371623.1 (MANE Select); coding-DNA positions 1425 to 1426, 2 bases deleted (AA; older notation c.1425_1426delAA).
Protein change: p.Arg476fs; shifts the reading frame from arginine 476.
Molecular consequence: frameshift variant.
Genome position (GRCh38, 1-based): chr5:150,375,100-150,375,101, AA deleted. VCF-style (leftmost placement, unchanged base first): chr5-150375099-CAA-C. GRCh37 (hg19) VCF-style: chr5-149754662-CAA-C.
Other names: c.1194_1195del, p.Arg399fs (NM_000356.4, NM_001135245.2); c.1425_1426del, p.Arg476fs (NM_001008657.3, NM_001135243.2, NM_001135244.2 and 1 more transcripts); short protein forms R399fs, R476fs.
Identifiers: ClinVar variation 1072904 (VCV001072904.7), dbSNP rs2150707502, ClinGen allele CA2499217742.

ClinVar aggregate classification (germline): Pathogenic (1 of 4 stars; one submission).

Conditions:
Treacher Collins syndrome 1 (TCS1). Also called: TCOF1-Related Treacher Collins Syndrome. Identifiers: Orphanet 861, MedGen CN315775, MONDO:0007944, OMIM 154500.

Submission:

Labcorp Genetics (formerly Invitae), Labcorp
Classification: Pathogenic for Treacher Collins syndrome 1. Last evaluated: 2020-03-23. Review status: criteria provided, single submitter. Criteria: Invitae Variant Classification Sherloc (09022015). Collection method: clinical testing. Allele origin: germline.
Comment: For these reasons, this variant has been classified as Pathogenic. Loss-of-function variants in TCOF1 are known to be pathogenic (PMID: 8894686, 22317976). This variant has not been reported in the literature in individuals with TCOF1-related conditions. This variant is not present in population databases (ExAC no frequency). This sequence change creates a premature translational stop signal (p.Arg476Lysfs*9) in the TCOF1 gene. It is expected to result in an absent or disrupted protein product.

Literature cited by the submitters: PubMed 8894686; PubMed 22317976.